The following is an entry in ClinVar:

NM_024675.4(PALB2):c.615A>C (p.Glu205Asp)

Gene: PALB2 (partner and localizer of BRCA2; minus strand). Cytogenetic location: 16p12.2.
Variant type: single nucleotide variant.
Coding change: c.615A>C on transcript NM_024675.4 (MANE Select); coding-DNA position 615, A replaced by C.
Protein change: p.Glu205Asp; replaces glutamic acid 205 with aspartic acid.
Molecular consequence: missense variant.
Genome position (GRCh38, 1-based): chr16:23,635,931, T>G on the plus strand (A>C on the coding strand, the complement: PALB2 is on the minus strand). VCF-style: chr16-23635931-T-G. GRCh37 (hg19) VCF-style: chr16-23647252-T-G.
Other names: short protein forms E205D.
Identifiers: ClinVar variation 1489935 (VCV001489935.9), dbSNP rs748128739, ClinGen allele CA395136631.

ClinVar aggregate classification (germline): Uncertain significance (1 of 4 stars; one submission).

Conditions:
Familial cancer of breast. Also called: BREAST CANCER, FAMILIAL; Hereditary breast cancer; hereditary breast carcinoma. Identifiers: Orphanet 227535, MedGen C0346153, MONDO:0016419, OMIM 114480. Disease mechanism: loss of function.

Submission:

Labcorp Genetics (formerly Invitae), Labcorp
Classification: Uncertain significance for Familial cancer of breast. Last evaluated: 2023-08-14. Review status: criteria provided, single submitter. Criteria: Invitae Variant Classification Sherloc (09022015). Collection method: clinical testing. Allele origin: germline.
Comment: This sequence change replaces glutamic acid, which is acidic and polar, with aspartic acid, which is acidic and polar, at codon 205 of the PALB2 protein (p.Glu205Asp). This variant is not present in population databases (gnomAD no frequency). This variant has not been reported in the literature in individuals affected with PALB2-related conditions. ClinVar contains an entry for this variant (Variation ID: 1489935). Algorithms developed to predict the effect of missense changes on protein structure and function output the following: SIFT: "Not Available"; PolyPhen-2: "Benign"; Align-GVGD: "Not Available". The aspartic acid amino acid residue is found in multiple mammalian species, which suggests that this missense change does not adversely affect protein function. In summary, the available evidence is currently insufficient to determine the role of this variant in disease. Therefore, it has been classified as a Variant of Uncertain Significance.